The following is an entry in ClinVar:

ClinVar aggregate classification (germline): Likely benign (0 of 4 stars; one submission).

Conditions:
ATP2A3-related disorder. Also called: ATP2A3-related condition.

Allele frequency attached by ClinVar (database versions not stated): ExAC 0.00008; TOPMed 0.00008; gnomAD exomes 0.00010; ESP Exome Variant Server 0.00015.
gnomAD v4.1: 155 of 1,613,582 alleles (0.0096%); highest among the groups gnomAD compares: Non-Finnish European, 0.012%; no homozygotes.

Submission:

PreventionGenetics, part of Exact Sciences
Classification: Likely benign for ATP2A3-related condition. Last evaluated: 2019-03-13. Review status: no assertion criteria provided. Collection method: clinical testing. Allele origin: germline.
Comment: This variant is classified as likely benign based on ACMG/AMP sequence variant interpretation guidelines (Richards et al. 2015 PMID: 25741868, with internal and published modifications).

NM_005173.4(ATP2A3):c.1095+9C>T

Gene: ATP2A3 (ATPase sarcoplasmic/endoplasmic reticulum Ca2+ transporting 3; minus strand). Cytogenetic location: 17p13.2.
Variant type: single nucleotide variant.
Coding change: c.1095+9C>T on transcript NM_005173.4 (MANE Select); 9 bases into the intron after coding-DNA position 1095, C replaced by T.
Molecular consequence: intron variant.
Genome position (GRCh38, 1-based): chr17:3,947,382, G>A on the plus strand (C>T on the coding strand, the complement: ATP2A3 is on the minus strand). VCF-style: chr17-3947382-G-A. GRCh37 (hg19) VCF-style: chr17-3850676-G-A.
Other names: c.1095+9C>T (NM_174957.3, NM_174955.3, NM_174954.3 and 3 more transcripts).
Identifiers: ClinVar variation 3053847 (VCV003053847.2), dbSNP rs370155458, ClinGen allele CA8297324.